The following is an entry in ClinVar:

ClinVar aggregate classification (germline): Uncertain significance (1 of 4 stars; one submission).

Conditions:
Osteogenesis imperfecta type 8 (OI8). Identifiers: MedGen C1970458, MONDO:0012581, OMIM 610915.

Submission:

Labcorp Genetics (formerly Invitae), Labcorp
Classification: Uncertain significance for Osteogenesis imperfecta type 8. Last evaluated: 2021-07-20. Review status: criteria provided, single submitter. Criteria: Invitae Variant Classification Sherloc (09022015). Collection method: clinical testing. Allele origin: germline.
Comment: This sequence change replaces serine with arginine at codon 133 of the P3H1 protein (p.Ser133Arg). The serine residue is moderately conserved and there is a moderate physicochemical difference between serine and arginine. This variant is not present in population databases (ExAC no frequency). This variant has not been reported in the literature in individuals with P3H1-related disease. Algorithms developed to predict the effect of missense changes on protein structure and function do not agree on the potential impact of this missense change (SIFT: "Deleterious"; PolyPhen-2: "Possibly Damaging"; Align-GVGD: "Class C0"). In summary, the available evidence is currently insufficient to determine the role of this variant in disease. Therefore, it has been classified as a Variant of Uncertain Significance.

NM_022356.4(P3H1):c.399C>A (p.Ser133Arg)

Gene: P3H1 (prolyl 3-hydroxylase 1; minus strand). Cytogenetic location: 1p34.2.
Variant type: single nucleotide variant.
Coding change: c.399C>A on transcript NM_022356.4 (MANE Select); coding-DNA position 399, C replaced by A.
Protein change: p.Ser133Arg; replaces serine 133 with arginine.
Molecular consequence: missense variant.
Genome position (GRCh38, 1-based): chr1:42,766,573, G>T on the plus strand (C>A on the coding strand, the complement: P3H1 is on the minus strand). VCF-style: chr1-42766573-G-T. GRCh37 (hg19) VCF-style: chr1-43232244-G-T.
Other names: c.399C>A, p.Ser133Arg (NM_001146289.2, NM_001243246.2); short protein forms S133R.
Identifiers: ClinVar variation 574255 (VCV000574255.8), dbSNP rs1557580282, ClinGen allele CA339963521.